The following is an entry in ClinVar:

ClinVar aggregate classification (germline): Pathogenic/Likely pathogenic. Review status: criteria provided, multiple submitters, no conflicts (2 of 4 stars). 2 submissions from 2 submitters: Pathogenic (1); Likely pathogenic (1). Last evaluated 2023-06-16.

Conditions:
Autosomal recessive osteopetrosis 1. Also called: ALBERS-SCHONBERG DISEASE, AUTOSOMAL RECESSIVE; TCIRG1-Related Osteopetrosis; TCIRG1-Related Autosomal Recessive Osteopetrosis. Identifiers: Orphanet 667, MedGen C1850127, MONDO:0009815, OMIM 259700.

Submissions (2):

Baylor Genetics
Classification: Likely pathogenic for Autosomal recessive osteopetrosis 1. Last evaluated: 2023-06-16. Review status: criteria provided, single submitter. Criteria: ACMG Guidelines, 2015. Collection method: clinical testing. Allele origin: unknown.

Labcorp Genetics (formerly Invitae), Labcorp
Classification: Pathogenic. Last evaluated: 2022-10-07. Review status: criteria provided, single submitter. Criteria: Invitae Variant Classification Sherloc (09022015). Collection method: clinical testing. Allele origin: germline.
Comment: For these reasons, this variant has been classified as Pathogenic. This variant has not been reported in the literature in individuals affected with TCIRG1-related conditions. This variant is not present in population databases (gnomAD no frequency). This sequence change creates a premature translational stop signal (p.Pro82Glnfs*84) in the TCIRG1 gene. It is expected to result in an absent or disrupted protein product. Loss-of-function variants in TCIRG1 are known to be pathogenic (PMID: 10888887, 10942435, 11532986, 19448635).

Literature cited by the submitters: PubMed 10888887 (cited by Labcorp Genetics (formerly Invitae), Labcorp); PubMed 10942435 (cited by Labcorp Genetics (formerly Invitae), Labcorp); PubMed 11532986 (cited by Labcorp Genetics (formerly Invitae), Labcorp); PubMed 19448635 (cited by Labcorp Genetics (formerly Invitae), Labcorp).

NM_006019.4(TCIRG1):c.245del (p.Pro82fs)

Gene: TCIRG1 (T cell immune regulator 1, ATPase H+ transporting V0 subunit a3; plus strand). Cytogenetic location: 11q13.2.
Variant type: Deletion.
Coding change: c.245del on transcript NM_006019.4 (MANE Select); coding-DNA position 245, one base deleted (C; older notation c.245delC).
Protein change: p.Pro82fs; shifts the reading frame from proline 82.
Molecular consequence: frameshift variant. On other transcripts: 5 prime UTR variant (1).
Genome position (GRCh38, 1-based): chr11:68,042,691, C deleted; the last of 2 consecutive C bases (chr11:68,042,690-68,042,691); deleting either gives the same sequence. VCF-style (leftmost placement, unchanged base first): chr11-68042689-GC-G. GRCh37 (hg19) VCF-style: chr11-67810156-GC-G.
Other names: c.-1005del (NM_001351059.2); short protein forms P82fs.
Identifiers: ClinVar variation 2009623 (VCV002009623.5), dbSNP rs2495614644, ClinGen allele CA2580084642.